The following is an entry in ClinVar:

ClinVar aggregate classification (germline): Uncertain significance. Review status: criteria provided, multiple submitters, no conflicts (2 of 4 stars). 7 submissions from 7 submitters: Uncertain significance (7). Last evaluated 2025-10-05.

Conditions:
Hereditary pheochromocytoma and paraganglioma. Also called: Hereditary Paraganglioma-Pheochromocytoma Syndromes; Hereditary paragangliomas and pheochromocytomas; Hereditary pheochromocytoma-paraganglioma. Identifiers: Orphanet 29072, MedGen C4274332, MONDO:0017366.
Hereditary cancer-predisposing syndrome. Also called: Hereditary neoplastic syndrome; Neoplastic Syndromes, Hereditary; Tumor predisposition; Hereditary Cancer Syndrome. Identifiers: Orphanet 140162, MedGen C0027672, MeSH D009386, MONDO:0015356.
Pheochromocytoma/paraganglioma syndrome 2. Also called: SDHAF2-Related Hereditary Paraganglioma-Pheochromocytoma Syndrome (Paragangliomas 2); Paragangliomas 2; GLOMUS TUMORS, FAMILIAL, 2; SDHAF2-Related Hereditary Paraganglioma-Pheochromocytoma Syndrome. Identifiers: Orphanet 29072, MedGen C1866552, MONDO:0011121, OMIM 601650.

gnomAD v4.1: 32 of 1,613,880 alleles (0.002%); highest among the groups gnomAD compares: East Asian, 0.071%; no homozygotes.

Submissions (7):

Ambry Genetics
Classification: Uncertain significance for Hereditary cancer-predisposing syndrome. Last evaluated: 2025-10-05. Review status: criteria provided, single submitter. Criteria: Ambry Variant Classification Scheme 2023. Collection method: clinical testing. Allele origin: germline.
Comment: The p.N110K variant (also known as c.330C>A), located in coding exon 3 of the SDHAF2 gene, results from a C to A substitution at nucleotide position 330. The asparagine at codon 110 is replaced by lysine, an amino acid with similar properties. This amino acid position is highly conserved in available vertebrate species. In addition, the in silico prediction for this alteration is inconclusive. Since supporting evidence is limited at this time, the clinical significance of this alteration remains unclear.

Labcorp Genetics (formerly Invitae), Labcorp
Classification: Uncertain significance for Hereditary pheochromocytoma and paraganglioma. Last evaluated: 2025-08-21. Review status: criteria provided, single submitter. Criteria: Invitae Variant Classification Sherloc (09022015). Collection method: clinical testing. Allele origin: germline.
Comment: This sequence change replaces asparagine, which is neutral and polar, with lysine, which is basic and polar, at codon 110 of the SDHAF2 protein (p.Asn110Lys). This variant is present in population databases (no rsID available, gnomAD 0.01%). This variant has not been reported in the literature in individuals affected with SDHAF2-related conditions. ClinVar contains an entry for this variant (Variation ID: 305091). An algorithm developed to predict the effect of missense changes on protein structure and function (PolyPhen-2) suggests that this variant is likely to be disruptive. In summary, the available evidence is currently insufficient to determine the role of this variant in disease. Therefore, it has been classified as a Variant of Uncertain Significance.

All of Us Research Program, National Institutes of Health
Classification: Uncertain significance for Hereditary pheochromocytoma and paraganglioma. Last evaluated: 2024-05-14. Review status: criteria provided, single submitter. Criteria: ACMG Guidelines, 2015. Collection method: clinical testing. Allele origin: germline. Inheritance: Autosomal dominant inheritance. Observed: 3 variant alleles, 3 heterozygotes.
Comment: This missense variant replaces asparagine with lysine at codon 110 of the SDHAF2 protein. Computational prediction is inconclusive regarding the impact of this variant on protein structure and function (internally defined REVEL score threshold 0.5 < inconclusive < 0.7, PMID: 27666373). To our knowledge, functional studies have not been reported for this variant. This variant has not been reported in individuals affected with SDHAF2-related disorders in the literature. This variant has been identified in 2/251484 chromosomes in the general population by the Genome Aggregation Database (gnomAD). The available evidence is insufficient to determine the role of this variant in disease conclusively. Therefore, this variant is classified as a Variant of Uncertain Significance.

This study involves interpretation of variants in research participants for the purpose of population health screening. Participant phenotype was not available at the time of variant classification. Additional details can be found in publication PMID: 35346344, PMCID: PMC8962531

Color Diagnostics, LLC DBA Color Health
Classification: Uncertain significance for Hereditary pheochromocytoma and paraganglioma. Last evaluated: 2024-04-18. Review status: criteria provided, single submitter. Criteria: ACMG Guidelines, 2015. Collection method: clinical testing. Allele origin: germline.
Comment: This missense variant replaces asparagine with lysine at codon 110 of the SDHAF2 protein. Computational prediction is inconclusive regarding the impact of this variant on protein structure and function. To our knowledge, functional studies have not been reported for this variant. This variant has not been reported in individuals affected with SDHAF2-related disorders in the literature. This variant has been identified in 2/251484 chromosomes in the general population by the Genome Aggregation Database (gnomAD). The available evidence is insufficient to determine the role of this variant in disease conclusively. Therefore, this variant is classified as a Variant of Uncertain Significance.

Baylor Genetics
Classification: Uncertain significance for Pheochromocytoma/paraganglioma syndrome 2. Last evaluated: 2024-03-05. Review status: criteria provided, single submitter. Criteria: ACMG Guidelines, 2015. Collection method: clinical testing. Allele origin: unknown.

GeneDx
Classification: Uncertain significance. Last evaluated: 2022-07-07. Review status: criteria provided, single submitter. Criteria: GeneDx Variant Classification Process June 2021. Collection method: clinical testing. Allele origin: germline. Affected: yes.
Comment: Not observed at significant frequency in large population cohorts (gnomAD); In silico analysis supports that this missense variant has a deleterious effect on protein structure/function; Has not been previously published as pathogenic or benign to our knowledge

Illumina Laboratory Services, Illumina
Classification: Uncertain significance for Hereditary Paraganglioma-Pheochromocytoma Syndromes. Last evaluated: 2018-01-12. Review status: criteria provided, single submitter. Criteria: ICSL Variant Classification Criteria 13 December 2019. Collection method: clinical testing. Allele origin: germline.

NM_017841.4(SDHAF2):c.330C>A (p.Asn110Lys)

Gene: SDHAF2 (succinate dehydrogenase complex assembly factor 2; plus strand). Cytogenetic location: 11q12.2.
Variant type: single nucleotide variant.
Coding change: c.330C>A on transcript NM_017841.4 (MANE Select); coding-DNA position 330, C replaced by A.
Protein change: p.Asn110Lys; replaces asparagine 110 with lysine.
Molecular consequence: missense variant.
Genome position (GRCh38, 1-based): chr11:61,438,073, C>A. VCF-style: chr11-61438073-C-A. GRCh37 (hg19) VCF-style: chr11-61205545-C-A.
Other names: short protein forms N110K.
Identifiers: ClinVar variation 305091 (VCV000305091.22), dbSNP rs779335034, ClinGen allele CA10638833.